The following is an entry in ClinVar:

ClinVar aggregate classification (germline): Uncertain significance (1 of 4 stars; one submission).

Conditions:
Seizures, benign familial infantile, 3 (BFIS3). Also called: Familial neonatal seizures; CONVULSIONS, BENIGN FAMILIAL INFANTILE, 3. Identifiers: Orphanet 140927, Orphanet 306, MedGen C1843140, MONDO:0011904, OMIM 607745.
Developmental and epileptic encephalopathy, 11 (DEE11). Also called: Early infantile epileptic encephalopathy 11. Identifiers: Orphanet 1934, MedGen C3150987, MONDO:0013388, OMIM 613721.

gnomAD v4.1: 1 of 1,614,090 alleles (0.000062%); no homozygotes.

Submission:

Labcorp Genetics (formerly Invitae), Labcorp
Classification: Uncertain significance for Seizures, benign familial infantile, 3; Developmental and epileptic encephalopathy, 11. Last evaluated: 2021-01-29. Review status: criteria provided, single submitter. Criteria: Invitae Variant Classification Sherloc (09022015). Collection method: clinical testing. Allele origin: germline.
Comment: This variant has not been reported in the literature in individuals with SCN2A-related conditions. In summary, the available evidence is currently insufficient to determine the role of this variant in disease. Therefore, it has been classified as a Variant of Uncertain Significance. Algorithms developed to predict the effect of missense changes on protein structure and function are either unavailable or do not agree on the potential impact of this missense change (SIFT: "Deleterious"; PolyPhen-2: "Probably Damaging"; Align-GVGD: "Class C0"). This variant is not present in population databases (ExAC no frequency). This sequence change replaces cysteine with phenylalanine at codon 1182 of the SCN2A protein (p.Cys1182Phe). The cysteine residue is highly conserved and there is a large physicochemical difference between cysteine and phenylalanine.

NM_001040142.2(SCN2A):c.3545G>T (p.Cys1182Phe)

Gene: SCN2A (sodium voltage-gated channel alpha subunit 2; plus strand). Cytogenetic location: 2q24.3.
Variant type: single nucleotide variant.
Coding change: c.3545G>T on transcript NM_001040142.2 (MANE Select); coding-DNA position 3545, G replaced by T.
Protein change: p.Cys1182Phe; replaces cysteine 1182 with phenylalanine.
Molecular consequence: missense variant.
Genome position (GRCh38, 1-based): chr2:165,367,241, G>T. VCF-style: chr2-165367241-G-T. GRCh37 (hg19) VCF-style: chr2-166223751-G-T.
Other names: c.3545G>T, p.Cys1182Phe (NM_001040143.2, NM_001371246.1, NM_001371247.1 and 1 more transcripts); short protein forms C1182F.
Identifiers: ClinVar variation 1505551 (VCV001505551.8), dbSNP rs2105359539, ClinGen allele CA349025822.